The following is an entry in ClinVar:

NM_001379659.1(ZNF142):c.2506C>T (p.Arg836Ter)

Gene: ZNF142 (zinc finger protein 142; minus strand). Cytogenetic location: 2q35.
Variant type: single nucleotide variant.
Coding change: c.2506C>T on transcript NM_001379659.1 (MANE Select); coding-DNA position 2506, C replaced by T.
Protein change: p.Arg836Ter; replaces arginine 836 with a stop codon.
Molecular consequence: nonsense.
Genome position (GRCh38, 1-based): chr2:218,644,610, G>A on the plus strand (C>T on the coding strand, the complement: ZNF142 is on the minus strand). VCF-style: chr2-218644610-G-A. GRCh37 (hg19) VCF-style: chr2-219509333-G-A.
Other names: c.1906C>T, p.Arg636Ter (NM_001105537.5, NM_001379662.1, NM_001366291.3); c.2506C>T, p.Arg836Ter (NM_001379660.1, NM_001379661.1, NM_001366290.3); c.1417C>T, p.Arg473Ter (NM_001366287.3, NM_001366288.3, NM_001366289.3); short protein forms R473*, R636*, R836*.
Identifiers: ClinVar variation 3896767 (VCV003896767.2).

ClinVar aggregate classification (germline): Pathogenic. Review status: criteria provided, multiple submitters, no conflicts (2 of 4 stars). 2 submissions from 2 submitters: Pathogenic (2). Last evaluated 2025-04-15.

Conditions:
Neurodevelopmental disorder with impaired speech and hyperkinetic movements. Identifiers: MedGen C5193088, MONDO:0032741, OMIM 618425.

gnomAD v4.1: 21 of 1,614,080 alleles (0.0013%); highest among the groups gnomAD compares: Non-Finnish European, 0.0016%; no homozygotes.

Submissions (2):

Tumer Group, Copenhagen University Hospital, Rigshospitalet
Classification: Pathogenic for Neurodevelopmental disorder with impaired speech and hyperkinetic movements. Last evaluated: 2025-04-15. Review status: criteria provided, single submitter. Criteria: ACMG Guidelines, 2015. Collection method: research. Allele origin: inherited. Affected: yes.

GeneDx
Classification: Pathogenic. Last evaluated: 2024-12-04. Review status: criteria provided, single submitter. Criteria: GeneDx Variant Classification Process June 2021. Collection method: clinical testing. Allele origin: germline. Affected: yes.
Comment: Nonsense variant predicted to result in protein truncation or nonsense mediated decay in a gene for which loss of function is a known mechanism of disease; Not observed at significant frequency in large population cohorts (gnomAD); This variant is associated with the following publications: (PMID: 37496384, 35616059)